The following is an entry in ClinVar:

NM_024009.3(GJB3):c.567C>T (p.Tyr189=)

Gene: GJB3 (gap junction protein beta 3; plus strand). Cytogenetic location: 1p34.3.
Variant type: single nucleotide variant.
Coding change: c.567C>T on transcript NM_024009.3 (MANE Select); coding-DNA position 567, C replaced by T.
Protein change: p.Tyr189=; no amino-acid change (tyrosine 189 retained).
Molecular consequence: synonymous variant.
Genome position (GRCh38, 1-based): chr1:34,785,329, C>T. VCF-style: chr1-34785329-C-T. GRCh37 (hg19) VCF-style: chr1-35250930-C-T.
Other names: c.567C>T, p.Tyr189= (NM_001005752.2).
Identifiers: ClinVar variation 178609 (VCV000178609.28), dbSNP rs61732307, ClinGen allele CA182651.

ClinVar aggregate classification (germline): Benign. Review status: criteria provided, multiple submitters, no conflicts (2 of 4 stars). 8 submissions from 8 submitters: Benign (8). Last evaluated 2026-01-28.

Conditions:
Erythrokeratodermia variabilis et progressiva 1 (EKVP1). Also called: ERYTHROKERATODERMIA FIGURATA, CONGENITAL FAMILIAL, IN PLAQUES; ERYTHROKERATODERMIA VARIABILIS WITH ERYTHEMA GYRATUM REPENS; ERYTHROKERATODERMIA, PROGRESSIVE SYMMETRIC. Identifiers: Orphanet 317, MedGen C4551486, MONDO:0033010, OMIM 133200.

Allele frequency attached by ClinVar (database versions not stated): gnomAD exomes 0.00242 and 0.00632; ExAC 0.00776; gnomAD 0.02071 and 0.02220; ESP Exome Variant Server 0.02307; TOPMed 0.02343; 1000 Genomes Project 0.02776; 1000 Genomes Project 30x 0.02873.
gnomAD v4.1: 6,929 of 1,614,004 alleles (0.43%); highest among the groups gnomAD compares: African/African-American, 7.1%; 220 homozygotes.

Submissions (8):

Labcorp Genetics (formerly Invitae), Labcorp
Classification: Benign. Last evaluated: 2026-01-28. Review status: criteria provided, single submitter. Criteria: Invitae Variant Classification Sherloc (09022015). Collection method: clinical testing. Allele origin: germline.

ARUP Laboratories, Molecular Genetics and Genomics, ARUP Laboratories
Classification: Benign. Last evaluated: 2023-11-28. Review status: criteria provided, single submitter. Criteria: ARUP Molecular Germline Variant Investigation Process 2024. Collection method: clinical testing. Allele origin: germline.

Athena Diagnostics
Classification: Benign. Last evaluated: 2018-12-07. Review status: criteria provided, single submitter. Criteria: Athena Diagnostics Criteria. Collection method: clinical testing. Allele origin: germline.

Illumina Laboratory Services, Illumina
Classification: Benign for Erythrokeratodermia variabilis et progressiva 1. Last evaluated: 2018-01-13. Review status: criteria provided, single submitter. Criteria: ICSL Variant Classification Criteria 13 December 2019. Collection method: clinical testing. Allele origin: germline.
Comment: This variant was observed in the ICSL laboratory as part of a predisposition screen in an ostensibly healthy population. It had not been previously curated by ICSL or reported in the Human Gene Mutation Database (HGMD: prior to June 1st, 2018), and was therefore a candidate for classification through an automated scoring system. Utilizing variant allele frequency, disease prevalence and penetrance estimates, and inheritance mode, an automated score was calculated to assess if this variant is too frequent to cause the disease. Based on the score and internal cut-off values, a variant classified as benign is not then subjected to further curation. The score for this variant resulted in a classification of benign for this disease.

GeneDx
Classification: Benign. Last evaluated: 2015-08-26. Review status: criteria provided, single submitter. Criteria: GeneDx Variant Classification (06012015). Collection method: clinical testing. Allele origin: germline. Affected: yes.
Comment: This variant is considered likely benign or benign based on one or more of the following criteria: it is a conservative change, it occurs at a poorly conserved position in the protein, it is predicted to be benign by multiple in silico algorithms, and/or has population frequency not consistent with disease.

Laboratory for Molecular Medicine, Mass General Brigham Personalized Medicine
Classification: Benign. Last evaluated: 2012-05-07. Review status: criteria provided, single submitter. Criteria: LMM Criteria. Collection method: clinical testing. Allele origin: germline. Observed: 9 variant alleles.
Comment: "Tyr189Tyr in Exon 02 of GJB3: This variant is not expected to have clinical sig nificance because it does not alter an amino acid residue, is not located within the splice consensus sequence, and has been identified in 6.6% (245/3738) of Af rican American chromosomes from a broad population by the NHLBI Exome Sequencing Project (dbSNP rs61732307)."

Breakthrough Genomics
Classification: Benign. Review status: criteria provided, single submitter. Criteria: ACMG Guidelines, 2015. Collection method: not provided. Allele origin: germline. Inheritance: Autosomal dominant inheritance. Affected: yes.

PreventionGenetics, part of Exact Sciences
Classification: Benign. Review status: criteria provided, single submitter. Criteria: ACMG Guidelines, 2015. Collection method: clinical testing. Allele origin: germline.